The following is an entry in ClinVar:

NM_000350.3(ABCA4):c.2972del (p.Gly991fs)

Gene: ABCA4 (ATP binding cassette subfamily A member 4; minus strand). Cytogenetic location: 1p22.1.
Variant type: Deletion.
Coding change: c.2972del on transcript NM_000350.3 (MANE Select); coding-DNA position 2972, one base deleted (G; older notation c.2972delG).
Protein change: p.Gly991fs; shifts the reading frame from glycine 991.
Molecular consequence: frameshift variant.
Genome position (GRCh38, 1-based): chr1:94,044,691, C deleted on the plus strand (G on the coding strand, the reverse complement: ABCA4 is on the minus strand); the first of 5 consecutive C bases (chr1:94,044,691-94,044,695); deleting any one gives the same sequence. VCF-style (leftmost placement, unchanged base first): chr1-94044690-TC-T. GRCh37 (hg19) VCF-style: chr1-94510246-TC-T.
Other names: c.2746delG, p.Gly917Glufs (NM_001425324.1); short protein forms G991fs.
Identifiers: ClinVar variation 2034879 (VCV002034879.4), dbSNP rs2523780097, ClinGen allele CA2580063344.

ClinVar aggregate classification (germline): Pathogenic (1 of 4 stars; one submission).

Submission:

Labcorp Genetics (formerly Invitae), Labcorp
Classification: Pathogenic. Last evaluated: 2022-10-09. Review status: criteria provided, single submitter. Criteria: Invitae Variant Classification Sherloc (09022015). Collection method: clinical testing. Allele origin: germline.
Comment: This sequence change creates a premature translational stop signal (p.Gly991Glufs*40) in the ABCA4 gene. It is expected to result in an absent or disrupted protein product. Loss-of-function variants in ABCA4 are known to be pathogenic (PMID: 10958761, 24938718, 25312043, 26780318). This variant is not present in population databases (gnomAD no frequency). This variant has not been reported in the literature in individuals affected with ABCA4-related conditions. For these reasons, this variant has been classified as Pathogenic.

Literature cited by the submitters: PubMed 10958761; PubMed 24938718; PubMed 25312043; PubMed 26780318.